The following is an entry in ClinVar:

ClinVar aggregate classification (germline): Conflicting classifications of pathogenicity. Review status: criteria provided, conflicting classifications (1 of 4 stars). 3 submissions from 3 submitters: Uncertain significance (2); Likely benign (1). Last evaluated 2025-12-08.

Conditions:
Inborn genetic diseases. Identifiers: MedGen C0950123, MeSH D030342.

Allele frequency attached by ClinVar (database versions not stated): gnomAD exomes 0.00005 and 0.00010; ExAC 0.00006; gnomAD 0.00006 and 0.00007; TOPMed 0.00008; 1000 Genomes Project 30x 0.00016; 1000 Genomes Project 0.00020.
gnomAD v4.1: 153 of 1,604,860 alleles (0.0095%); highest among the groups gnomAD compares: Non-Finnish European, 0.013%; no homozygotes.

Submissions (3):

Ambry Genetics
Classification: Uncertain significance for Inborn genetic diseases. Last evaluated: 2025-12-08. Review status: criteria provided, single submitter. Criteria: Ambry Variant Classification Scheme 2023. Collection method: clinical testing. Allele origin: germline.

Labcorp Genetics (formerly Invitae), Labcorp
Classification: Uncertain significance. Last evaluated: 2024-10-16. Review status: criteria provided, single submitter. Criteria: Invitae Variant Classification Sherloc (09022015). Collection method: clinical testing. Allele origin: germline.
Comment: This sequence change replaces glutamine, which is neutral and polar, with histidine, which is basic and polar, at codon 1485 of the FRAS1 protein (p.Gln1485His). This variant is present in population databases (rs532738580, gnomAD 0.01%). This variant has not been reported in the literature in individuals affected with FRAS1-related conditions. ClinVar contains an entry for this variant (Variation ID: 1357269). Invitae Evidence Modeling of protein sequence and biophysical properties (such as structural, functional, and spatial information, amino acid conservation, physicochemical variation, residue mobility, and thermodynamic stability) indicates that this missense variant is not expected to disrupt FRAS1 protein function with a negative predictive value of 80%. In summary, the available evidence is currently insufficient to determine the role of this variant in disease. Therefore, it has been classified as a Variant of Uncertain Significance.

CeGaT Center for Human Genetics Tuebingen
Classification: Likely benign. Last evaluated: 2024-06-01. Review status: criteria provided, single submitter. Criteria: CeGaT Center For Human Genetics Tuebingen Variant Classification Criteria Version 2. Collection method: clinical testing. Allele origin: germline. Affected: yes. Observed: 2 variant alleles.
Comment: FRAS1: BP4

NM_025074.7(FRAS1):c.4455G>T (p.Gln1485His)

Gene: FRAS1 (Fraser extracellular matrix complex subunit 1; plus strand). Cytogenetic location: 4q21.21.
Variant type: single nucleotide variant.
Coding change: c.4455G>T on transcript NM_025074.7 (MANE Select); coding-DNA position 4455, G replaced by T.
Protein change: p.Gln1485His; replaces glutamine 1485 with histidine.
Molecular consequence: missense variant.
Genome position (GRCh38, 1-based): chr4:78,418,978, G>T. VCF-style: chr4-78418978-G-T. GRCh37 (hg19) VCF-style: chr4-79340132-G-T.
Other names: c.4455G>T, p.Gln1485His (NM_001166133.2); c.4455G>T (NM_025074.6); short protein forms Q1485H.
Identifiers: ClinVar variation 1357269 (VCV001357269.29), dbSNP rs532738580, ClinGen allele CA2977210.